The following is an entry in ClinVar:

NM_001034853.2(RPGR):c.1762GAG[1] (p.Glu589del)

Gene: RPGR (retinitis pigmentosa GTPase regulator; minus strand). Cytogenetic location: Xp11.4.
Variant type: Microsatellite.
Coding change: c.1762GAG[1] on transcript NM_001034853.2 (MANE Select); one copy of the 3-base unit GAG starting at c.1762; the reference has two copies in a row; one copy, 3 bases deleted.
Protein change: p.Glu589del; deletes glutamic acid 589.
Molecular consequence: inframe deletion. On other transcripts: non-coding transcript variant (2), intron variant (5).
Genome position (GRCh38, 1-based): chrX:38,287,232-38,287,234, CTC deleted on the plus strand (GAG on the coding strand, the reverse complement: RPGR is on the minus strand); deleting any 3 consecutive bases within chrX:38,287,232-38,287,237 gives the same sequence; the position shown is the placement nearest the transcript's 3' end. VCF-style (leftmost placement, unchanged base first): chrX-38287231-TCTC-T. GRCh37 (hg19) VCF-style: chrX-38146484-TCTC-T.
Other names: c.1762GAG[1], p.Glu589del (NM_000328.3); c.1759GAG[1], p.Glu588del (NM_001367245.1); c.1576GAG[1], p.Glu527del (NM_001367246.1); c.1569+3725_1569+3727del (NM_001367249.1, NM_001367250.1); c.1386+3725_1386+3727del (NM_001367251.1); c.1572+3725_1572+3727del (NM_001367247.1); c.1602+3725_1602+3727del (NM_001367248.1); short protein forms E527del, E589del, E588del.
Identifiers: ClinVar variation 2987599 (VCV002987599.4), dbSNP rs2067203132, ClinGen allele CA1132421241.

ClinVar aggregate classification (germline): Uncertain significance. Review status: criteria provided, multiple submitters, no conflicts (2 of 4 stars). 2 submissions from 2 submitters: Uncertain significance (2). Last evaluated 2026-08-14.

Conditions:
RPGR-related retinopathy. Also called: RPGR retinopathy. Identifiers: MedGen CN305589, MONDO:0100437.
Primary ciliary dyskinesia. Also called: Ciliary dyskinesia. Identifiers: Orphanet 244, MedGen C0008780, MONDO:0016575, HP:0012265.

Submissions (2):

Myriad Genetics, Inc.
Classification: Uncertain significance for RPGR-related retinopathy. Last evaluated: 2026-08-14. Review status: criteria provided, single submitter. Criteria: Myriad Autosomal Dominant, Autosomal Recessive and X-Linked Classification Criteria (2023). Collection method: clinical testing. Allele origin: unknown.
Comment: NM_000328.2(RPGR):c.1765_1767delGAG(E589del) is an in-frame deletion classified as a variant of uncertain significance in the context of X-linked retinal dystrophy, RPGR-related. E589del has not been observed in cases with relevant disease. Relevant functional assessments of this variant are not available in the literature. E589del has not been observed in referenced population frequency databases. In summary, there is insufficient evidence to classify NM_000328.2(RPGR):c.1765_1767delGAG(E589del) as pathogenic or benign. Please note: this variant was assessed in the context of healthy population screening.

Labcorp Genetics (formerly Invitae), Labcorp
Classification: Uncertain significance for Primary ciliary dyskinesia. Last evaluated: 2023-04-07. Review status: criteria provided, single submitter. Criteria: Invitae Variant Classification Sherloc (09022015). Collection method: clinical testing. Allele origin: germline.
Comment: In summary, the available evidence is currently insufficient to determine the role of this variant in disease. Therefore, it has been classified as a Variant of Uncertain Significance. This variant has not been reported in the literature in individuals affected with RPGR-related conditions. This variant is not present in population databases (gnomAD no frequency). This variant, c.1765_1767del, results in the deletion of 1 amino acid(s) of the RPGR protein (p.Glu589del), but otherwise preserves the integrity of the reading frame.